The following is an entry in ClinVar:

ClinVar aggregate classification (germline): Uncertain significance (1 of 4 stars; one submission).

Submission:

Labcorp Genetics (formerly Invitae), Labcorp
Classification: Uncertain significance. Last evaluated: 2022-08-28. Review status: criteria provided, single submitter. Criteria: Invitae Variant Classification Sherloc (09022015). Collection method: clinical testing. Allele origin: germline.
Comment: In summary, the available evidence is currently insufficient to determine the role of this variant in disease. Therefore, it has been classified as a Variant of Uncertain Significance. Algorithms developed to predict the effect of missense changes on protein structure and function (SIFT, PolyPhen-2, Align-GVGD) all suggest that this variant is likely to be disruptive. This variant has not been reported in the literature in individuals affected with IRF9-related conditions. This variant is not present in population databases (gnomAD no frequency). This sequence change replaces serine, which is neutral and polar, with arginine, which is basic and polar, at codon 136 of the IRF9 protein (p.Ser136Arg).

NM_006084.5(IRF9):c.408T>G (p.Ser136Arg)

Gene: IRF9 (interferon regulatory factor 9; plus strand). Cytogenetic location: 14q12.
Variant type: single nucleotide variant.
Coding change: c.408T>G on transcript NM_006084.5 (MANE Select); coding-DNA position 408, T replaced by G.
Protein change: p.Ser136Arg; replaces serine 136 with arginine.
Molecular consequence: missense variant.
Genome position (GRCh38, 1-based): chr14:24,163,421, T>G. VCF-style: chr14-24163421-T-G. GRCh37 (hg19) VCF-style: chr14-24632630-T-G.
Other names: c.408T>G, p.Ser136Arg (NM_001385400.1, NM_001385401.1, NM_001385402.1); short protein forms S136R.
Identifiers: ClinVar variation 1718269 (VCV001718269.5), dbSNP rs2502040341, ClinGen allele CA389203505.